The following is an entry in ClinVar:

NM_020884.7(MYH7B):c.3514C>T (p.Arg1172Cys)

Gene: MYH7B (myosin heavy chain 7B; plus strand). Cytogenetic location: 20q11.22.
Variant type: single nucleotide variant.
Coding change: c.3514C>T on transcript NM_020884.7 (MANE Select); coding-DNA position 3514, C replaced by T.
Protein change: p.Arg1172Cys; replaces arginine 1172 with cysteine.
Molecular consequence: missense variant.
Genome position (GRCh38, 1-based): chr20:34,997,407, C>T. VCF-style: chr20-34997407-C-T. GRCh37 (hg19) VCF-style: chr20-33585210-C-T.
Other names: c.3640C>T (NM_020884.4); short protein forms R1172C.
Identifiers: ClinVar variation 2172592 (VCV002172592.5), dbSNP rs757063100, ClinGen allele CA9827750.

ClinVar aggregate classification (germline): Uncertain significance. Review status: criteria provided, multiple submitters, no conflicts (2 of 4 stars). 2 submissions from 2 submitters: Uncertain significance (2). Last evaluated 2025-11-17.

Conditions:
MYH7B-related disorder. Also called: MYH7B-related condition.

Allele frequency attached by ClinVar (database versions not stated): ExAC 0.00028.
gnomAD v4.1: 164 of 1,478,584 alleles (0.011%); highest among the groups gnomAD compares: Admixed American, 0.077%; 1 homozygote.

Submissions (2):

PreventionGenetics, part of Exact Sciences
Classification: Uncertain significance for MYH7B-related condition. Last evaluated: 2025-11-17. Review status: criteria provided, single submitter. Criteria: ACMG Guidelines, 2015. Collection method: clinical testing. Allele origin: germline.
Comment: The MYH7B c.3640C>T variant is predicted to result in the amino acid substitution p.Arg1214Cys. To our knowledge, this variant has not been reported in the literature. This variant is reported in 0.057% of alleles in individuals of Latino descent in gnomAD. Although we suspect that this variant may be benign, at this time, the clinical significance of this variant is uncertain due to the absence of conclusive functional and genetic evidence.

Labcorp Genetics (formerly Invitae), Labcorp
Classification: Uncertain significance. Last evaluated: 2025-08-18. Review status: criteria provided, single submitter. Criteria: Invitae Variant Classification Sherloc (09022015). Collection method: clinical testing. Allele origin: germline.
Comment: This sequence change replaces arginine, which is basic and polar, with cysteine, which is neutral and slightly polar, at codon 1214 of the MYH7B protein (p.Arg1214Cys). This variant is present in population databases (rs757063100, gnomAD 0.08%), and has an allele count higher than expected for a pathogenic variant. This variant has not been reported in the literature in individuals affected with MYH7B-related conditions. ClinVar contains an entry for this variant (Variation ID: 2172592). Invitae Evidence Modeling of protein sequence and biophysical properties (such as structural, functional, and spatial information, amino acid conservation, physicochemical variation, residue mobility, and thermodynamic stability) indicates that this missense variant is expected to disrupt MYH7B protein function with a positive predictive value of 80%. In summary, the available evidence is currently insufficient to determine the role of this variant in disease. Therefore, it has been classified as a Variant of Uncertain Significance.